The following is an entry in ClinVar:

ClinVar aggregate classification (germline): Pathogenic. Review status: reviewed by expert panel (3 of 4 stars). 3 submissions from 3 submitters: Pathogenic (1). 2 of the submissions do not count toward it. Last evaluated 2016-09-08.

Conditions:
Breast-ovarian cancer, familial, susceptibility to, 2 (BROVCA2). Also called: BRCA2 Hereditary Breast and Ovarian Cancer. Identifiers: Orphanet 145, MedGen C2675520, MONDO:0012933, OMIM 612555. Disease mechanism: loss of function.

Submissions (3):

Evidence-based Network for the Interpretation of Germline Mutant Alleles (ENIGMA)
Classification: Pathogenic for Breast-ovarian cancer, familial, susceptibility to, 2. Last evaluated: 2016-09-08. Review status: reviewed by expert panel. Criteria: ENIGMA BRCA1/2 Classification Criteria (2015). Collection method: curation. Allele origin: germline.
Comment: Variant allele predicted to encode a truncated non-functional protein.

Consortium of Investigators of Modifiers of BRCA1/2 (CIMBA), c/o University of Cambridge
Classification: Pathogenic for Breast-ovarian cancer, familial, susceptibility to, 2. Last evaluated: 2015-10-02. Review status: criteria provided, single submitter. Criteria: CIMBA Mutation Classification guidelines May 2016. Collection method: clinical testing. Allele origin: germline. Not counted in ClinVar's aggregate classification.

Breast Cancer Information Core (BIC) (BRCA2)
Classification: Pathogenic for Breast-ovarian cancer, familial 2. Last evaluated: 2004-03-30. Review status: no assertion criteria provided. Collection method: clinical testing. Allele origin: germline. Affected: yes. Observed: 1 variant allele. Not counted in ClinVar's aggregate classification.

NM_000059.4(BRCA2):c.7647C>A (p.Cys2549Ter)

Gene: BRCA2 (BRCA2 DNA repair associated; plus strand). Cytogenetic location: 13q13.1.
Variant type: single nucleotide variant.
Coding change: c.7647C>A on transcript NM_000059.4 (MANE Select); coding-DNA position 7647, C replaced by A.
Protein change: p.Cys2549Ter; replaces cysteine 2549 with a stop codon.
Molecular consequence: nonsense.
Genome position (GRCh38, 1-based): chr13:32,357,771, C>A. VCF-style: chr13-32357771-C-A. GRCh37 (hg19) VCF-style: chr13-32931908-C-A.
Other names: short protein forms C2549*.
Identifiers: ClinVar variation 52377 (VCV000052377.5), dbSNP rs80358993, ClinGen allele CA025210.